The following is an entry in ClinVar:

ClinVar aggregate classification (germline): Conflicting classifications of pathogenicity. Review status: criteria provided, conflicting classifications (1 of 4 stars). 7 submissions from 7 submitters: Uncertain significance (1); Likely benign (6). Last evaluated 2026-05-01.

Allele frequency attached by ClinVar (database versions not stated): gnomAD 0.00010 and 0.00015; TOPMed 0.00022; ExAC 0.00006; ESP Exome Variant Server 0.00008.

Submissions (7):

CeGaT Center for Human Genetics Tuebingen
Classification: Likely benign. Last evaluated: 2026-05-01. Review status: criteria provided, single submitter. Criteria: CeGaT Center For Human Genetics Tuebingen Variant Classification Criteria Version 2. Collection method: clinical testing. Allele origin: germline. Affected: yes. Observed: 2 variant alleles.
Comment: MYH9: BP4, BP7

Women's Health and Genetics/Laboratory Corporation of America, LabCorp
Classification: Likely benign. Last evaluated: 2026-03-24. Review status: criteria provided, single submitter. Criteria: LabCorp Variant Classification Summary - May 2015. Collection method: clinical testing. Allele origin: germline.

Labcorp Genetics (formerly Invitae), Labcorp
Classification: Likely benign. Last evaluated: 2026-01-20. Review status: criteria provided, single submitter. Criteria: Invitae Variant Classification Sherloc (09022015). Collection method: clinical testing. Allele origin: germline.

Blueprint Genetics
Classification: Likely benign. Last evaluated: 2024-03-14. Review status: criteria provided, single submitter. Criteria: ACMG Guidelines, 2015. Collection method: clinical testing. Allele origin: germline.

GeneDx
Classification: Uncertain significance. Last evaluated: 2021-05-07. Review status: criteria provided, single submitter. Criteria: GeneDx Variant Classification Process June 2021. Collection method: clinical testing. Allele origin: germline. Affected: yes.
Comment: In-silico analysis, which includes splice predictors and evolutionary conservation, is inconclusive as to whether the variant alters gene splicing. In the absence of RNA/functional studies, the actual effect of this sequence change is unknown.; Has not been previously published as pathogenic or benign to our knowledge

Laboratory for Molecular Medicine, Mass General Brigham Personalized Medicine
Classification: Likely benign. Last evaluated: 2016-06-23. Review status: criteria provided, single submitter. Criteria: LMM Criteria. Collection method: clinical testing. Allele origin: germline. Observed: 2 variant alleles.
Comment: p.Thr383Thr in Exon 11 of MYH9: This variant is not expected to have clinical si gnificance because it does not alter an amino acid residue and is not located wi thin the splice consensus sequence. It has been identified in 3/16502 South Asia n and 4/66696 European chromosomes by the Exome Aggregation Consortium (ExAC; dbSNP rs143974891).

PreventionGenetics, part of Exact Sciences
Classification: Likely benign. Review status: criteria provided, single submitter. Criteria: ACMG Guidelines, 2015. Collection method: clinical testing. Allele origin: germline.

NM_002473.6(MYH9):c.1149C>T (p.Thr383=)

Gene: MYH9 (myosin heavy chain 9; minus strand). Cytogenetic location: 22q12.3.
Variant type: single nucleotide variant.
Coding change: c.1149C>T on transcript NM_002473.6 (MANE Select); coding-DNA position 1149, C replaced by T.
Protein change: p.Thr383=; no amino-acid change (threonine 383 retained).
Molecular consequence: synonymous variant.
Genome position (GRCh38, 1-based): chr22:36,318,285, G>A on the plus strand (C>T on the coding strand, the complement: MYH9 is on the minus strand). VCF-style: chr22-36318285-G-A. GRCh37 (hg19) VCF-style: chr22-36714330-G-A.
Identifiers: ClinVar variation 258726 (VCV000258726.38), dbSNP rs143974891, ClinGen allele CA10210364.
Genomic context (GRCh38, chr22:36,318,285, plus strand): 5'-CTTCTGGACGTAATCCCGTCCCACCTTGATGCGCGGGGTGAGGATTCCTCTGGTGAAATC[G>A]GTCACATTGATACCCAAGAGATGGGACACCTTTTGGGCAGCTAAGATTTTTCAGAGAATA-3'
Protein context (NP_002464.1, residues 373-393): KVSHLLGINV[Thr383=]DFTRGILTPR